The following is an entry in ClinVar:

ClinVar aggregate classification (germline): Uncertain significance (1 of 4 stars; one submission).

Conditions:
Werner syndrome (WRN). Identifiers: Orphanet 902, MedGen C0043119, MONDO:0010196, OMIM 277700.

Submission:

Labcorp Genetics (formerly Invitae), Labcorp
Classification: Uncertain significance for Werner syndrome. Last evaluated: 2022-08-31. Review status: criteria provided, single submitter. Criteria: Invitae Variant Classification Sherloc (09022015). Collection method: clinical testing. Allele origin: germline.
Comment: In summary, the available evidence is currently insufficient to determine the role of this variant in disease. Therefore, it has been classified as a Variant of Uncertain Significance. Algorithms developed to predict the effect of missense changes on protein structure and function output the following: SIFT: "Not Available"; PolyPhen-2: "Benign"; Align-GVGD: "Not Available". The threonine amino acid residue is found in multiple mammalian species, which suggests that this missense change does not adversely affect protein function. This variant has not been reported in the literature in individuals affected with WRN-related conditions. This variant is not present in population databases (gnomAD no frequency). This sequence change replaces methionine, which is neutral and non-polar, with threonine, which is neutral and polar, at codon 473 of the WRN protein (p.Met473Thr).

NM_000553.6(WRN):c.1418T>C (p.Met473Thr)

Gene: WRN (WRN RecQ like helicase; plus strand). Cytogenetic location: 8p12.
Variant type: single nucleotide variant.
Coding change: c.1418T>C on transcript NM_000553.6 (MANE Select); coding-DNA position 1418, T replaced by C.
Protein change: p.Met473Thr; replaces methionine 473 with threonine.
Molecular consequence: missense variant.
Genome position (GRCh38, 1-based): chr8:31,085,233, T>C. VCF-style: chr8-31085233-T-C. GRCh37 (hg19) VCF-style: chr8-30942749-T-C.
Other names: short protein forms M473T.
Identifiers: ClinVar variation 1718433 (VCV001718433.5), dbSNP rs760571785, ClinGen allele CA370923888.